The following is an entry in ClinVar:

NM_000195.5(HPS1):c.1599-15A>G

Gene: HPS1 (HPS1 biogenesis of lysosomal organelles complex 3 subunit 1; minus strand). Cytogenetic location: 10q24.2.
Variant type: single nucleotide variant.
Coding change: c.1599-15A>G on transcript NM_000195.5 (MANE Select); 15 bases into the intron before coding-DNA position 1599, A replaced by G.
Molecular consequence: intron variant.
Genome position (GRCh38, 1-based): chr10:98,422,528, T>C on the plus strand (A>G on the coding strand, the complement: HPS1 is on the minus strand). VCF-style: chr10-98422528-T-C. GRCh37 (hg19) VCF-style: chr10-100182285-T-C.
Other names: c.1230-15A>G (NM_001322483.2, NM_001322484.2); c.1338-15A>G (NM_001322480.2, NM_001322481.2); c.1500-15A>G (NM_001322478.2, NM_001322479.2); c.1599-15A>G (NM_001322476.2, NM_001322477.2); c.1131-15A>G (NM_001322485.2); c.1239-15A>G (NM_001322482.2); c.627-15A>G (NM_001322489.2, NM_001311345.2, NM_001322487.2).
Identifiers: ClinVar variation 167184 (VCV000167184.28), dbSNP rs2296435, ClinGen allele CA180122.

ClinVar aggregate classification (germline): Benign. Review status: criteria provided, multiple submitters, no conflicts (2 of 4 stars). 9 submissions from 9 submitters: Benign (9). Last evaluated 2026-02-04.

Conditions:
Hermansky-Pudlak syndrome 1 (HPS1). Also called: DELTA STORAGE POOL DISEASE. Identifiers: Orphanet 231500, Orphanet 79430, MedGen C2931875, MONDO:0008748, OMIM 203300.

Allele frequency attached by ClinVar (database versions not stated): ESP Exome Variant Server 0.20590; gnomAD 0.21496 and 0.22327; TOPMed 0.21907; gnomAD exomes 0.24895 and 0.27075; 1000 Genomes Project 30x 0.25000; 1000 Genomes Project 0.25759; ExAC 0.26959.
gnomAD v4.1: 397,783 of 1,612,042 alleles (25%); highest among the groups gnomAD compares: South Asian, 40%; 52,105 homozygotes.

Submissions (9):

Labcorp Genetics (formerly Invitae), Labcorp
Classification: Benign. Last evaluated: 2026-02-04. Review status: criteria provided, single submitter. Criteria: Invitae Variant Classification Sherloc (09022015). Collection method: clinical testing. Allele origin: germline.

Blueprint Genetics
Classification: Benign. Last evaluated: 2024-11-27. Review status: criteria provided, single submitter. Criteria: ACMG Guidelines, 2015. Collection method: clinical testing. Allele origin: germline.

Genome-Nilou Lab
Classification: Benign for Hermansky-Pudlak syndrome 1. Last evaluated: 2021-07-10. Review status: criteria provided, single submitter. Criteria: ACMG Guidelines, 2015. Collection method: clinical testing. Allele origin: germline. Affected: no.

GeneDx
Classification: Benign. Last evaluated: 2019-04-07. Review status: criteria provided, single submitter. Criteria: GeneDx Variant Classification Process June 2021. Collection method: clinical testing. Allele origin: germline. Affected: yes.

Illumina Laboratory Services, Illumina
Classification: Benign for Hermansky-Pudlak syndrome 1. Last evaluated: 2018-01-13. Review status: criteria provided, single submitter. Criteria: ICSL Variant Classification Criteria 13 December 2019. Collection method: clinical testing. Allele origin: germline.
Comment: This variant was observed in the ICSL laboratory as part of a predisposition screen in an ostensibly healthy population. It had not been previously curated by ICSL or reported in the Human Gene Mutation Database (HGMD: prior to June 1st, 2018), and was therefore a candidate for classification through an automated scoring system. Utilizing variant allele frequency, disease prevalence and penetrance estimates, and inheritance mode, an automated score was calculated to assess if this variant is too frequent to cause the disease. Based on the score and internal cut-off values, a variant classified as benign is not then subjected to further curation. The score for this variant resulted in a classification of benign for this disease.

Eurofins Ntd Llc (ga)
Classification: Benign. Last evaluated: 2014-02-26. Review status: criteria provided, single submitter. Criteria: EGL Classification Definitions 2015. Collection method: clinical testing. Allele origin: germline. Observed: 1 variant allele, 1 homozygote.

Laboratory for Molecular Medicine, Mass General Brigham Personalized Medicine
Classification: Benign. Last evaluated: 2013-02-21. Review status: criteria provided, single submitter. Criteria: LMM Criteria. Collection method: clinical testing. Allele origin: germline. Observed: 26 variant alleles.
Comment: 1599-15A>G in intron 16 of HPS1: This variant is not expected to have clinical s ignificance because it has been identified in 24.0% (2061/8600) of European Amer ican chromosomes from a broad population by the NHLBI Exome Sequencing Project (dbSNP rs2296435).

Breakthrough Genomics
Classification: Benign. Review status: criteria provided, single submitter. Criteria: ACMG Guidelines, 2015. Collection method: not provided. Allele origin: germline. Inheritance: Autosomal recessive inheritance. Affected: yes.

PreventionGenetics, part of Exact Sciences
Classification: Benign. Review status: criteria provided, single submitter. Criteria: ACMG Guidelines, 2015. Collection method: clinical testing. Allele origin: germline.